The following is an entry in ClinVar:

ClinVar aggregate classification (germline): Uncertain significance (1 of 4 stars; one submission).

Submission:

Labcorp Genetics (formerly Invitae), Labcorp
Classification: Uncertain significance. Last evaluated: 2024-05-02. Review status: criteria provided, single submitter. Criteria: Invitae Variant Classification Sherloc (09022015). Collection method: clinical testing. Allele origin: germline.
Comment: This sequence change replaces aspartic acid, which is acidic and polar, with tyrosine, which is neutral and polar, at codon 1709 of the POLE protein (p.Asp1709Tyr). This variant is not present in population databases (gnomAD no frequency). This variant has not been reported in the literature in individuals affected with POLE-related conditions. Advanced modeling of protein sequence and biophysical properties (such as structural, functional, and spatial information, amino acid conservation, physicochemical variation, residue mobility, and thermodynamic stability) performed at Invitae indicates that this missense variant is not expected to disrupt POLE protein function with a negative predictive value of 80%. In summary, the available evidence is currently insufficient to determine the role of this variant in disease. Therefore, it has been classified as a Variant of Uncertain Significance.

NM_006231.4(POLE):c.5125G>T (p.Asp1709Tyr)

Gene: POLE (DNA polymerase epsilon, catalytic subunit; minus strand). Cytogenetic location: 12q24.33.
Variant type: single nucleotide variant.
Coding change: c.5125G>T on transcript NM_006231.4 (MANE Select); coding-DNA position 5125, G replaced by T.
Protein change: p.Asp1709Tyr; replaces aspartic acid 1709 with tyrosine.
Molecular consequence: missense variant.
Genome position (GRCh38, 1-based): chr12:132,642,225, C>A on the plus strand (G>T on the coding strand, the complement: POLE is on the minus strand). VCF-style: chr12-132642225-C-A. GRCh37 (hg19) VCF-style: chr12-133218811-C-A.
Other names: short protein forms D1709Y.
Identifiers: ClinVar variation 3651959 (VCV003651959.2).
Genomic context (GRCh38, chr12:132,642,225, plus strand): 5'-CCGCCCACTTACCTGTGGAGTAACAGCCTGAACTGTTGATCTCAACAGTGGCTTGGTCAT[C>A]GAACTCCATGACAAGACAGTTGTCATCAGCCTCCTTTCCACCCAGGTCAGGGCGGGCTGT-3'
Protein context (NP_006222.2, residues 1699-1719): ADDNCLVMEF[Asp1709Tyr]DQATVEINSS